The following is an entry in ClinVar:

ClinVar aggregate classification (germline): Uncertain significance. Review status: criteria provided, multiple submitters, no conflicts (2 of 4 stars). 2 submissions from 2 submitters: Uncertain significance (2). Last evaluated 2023-11-20.

Conditions:
Developmental and epileptic encephalopathy, 23 (DEE23). Also called: Epileptic encephalopathy, early infantile, 23. Identifiers: Orphanet 411986, MedGen C4014492, MONDO:0014371, OMIM 615859.

Allele frequency attached by ClinVar (database versions not stated): ExAC 0.00001; gnomAD exomes 0.00001 and 0.00002.
gnomAD v4.1: 9 of 1,613,284 alleles (0.00056%); highest among the groups gnomAD compares: Admixed American, 0.005%; no homozygotes.

Submissions (2):

GeneDx
Classification: Uncertain significance. Last evaluated: 2023-11-20. Review status: criteria provided, single submitter. Criteria: GeneDx Variant Classification Process June 2021. Collection method: clinical testing. Allele origin: germline. Affected: yes.
Comment: Not observed at significant frequency in large population cohorts (gnomAD); In silico analysis supports that this missense variant has a deleterious effect on protein structure/function; Has not been previously published as pathogenic or benign to our knowledge

Labcorp Genetics (formerly Invitae), Labcorp
Classification: Uncertain significance for Developmental and epileptic encephalopathy, 23. Last evaluated: 2022-03-19. Review status: criteria provided, single submitter. Criteria: Invitae Variant Classification Sherloc (09022015). Collection method: clinical testing. Allele origin: germline.
Comment: In summary, the available evidence is currently insufficient to determine the role of this variant in disease. Therefore, it has been classified as a Variant of Uncertain Significance. Algorithms developed to predict the effect of missense changes on protein structure and function (SIFT, PolyPhen-2, Align-GVGD) all suggest that this variant is likely to be disruptive. This variant has not been reported in the literature in individuals affected with DOCK7-related conditions. This variant is present in population databases (rs766160359, gnomAD 0.006%). This sequence change replaces arginine, which is basic and polar, with cysteine, which is neutral and slightly polar, at codon 1609 of the DOCK7 protein (p.Arg1609Cys).

NM_001367561.1(DOCK7):c.4852C>T (p.Arg1618Cys)

Gene: DOCK7 (dedicator of cytokinesis 7; minus strand). Cytogenetic location: 1p31.3.
Variant type: single nucleotide variant.
Coding change: c.4852C>T on transcript NM_001367561.1 (MANE Select); coding-DNA position 4852, C replaced by T.
Protein change: p.Arg1618Cys; replaces arginine 1618 with cysteine.
Molecular consequence: missense variant.
Genome position (GRCh38, 1-based): chr1:62,496,410, G>A on the plus strand (C>T on the coding strand, the complement: DOCK7 is on the minus strand). VCF-style: chr1-62496410-G-A. GRCh37 (hg19) VCF-style: chr1-62962081-G-A.
Other names: c.4825C>T, p.Arg1609Cys (NM_001271999.2, NM_001330614.2); c.4732C>T, p.Arg1578Cys (NM_001272000.2, NM_001272001.2); c.4759C>T, p.Arg1587Cys (NM_033407.4); c.4825C>T (NM_001271999.1); short protein forms R1618C, R1578C, R1587C, R1609C.
Identifiers: ClinVar variation 1355149 (VCV001355149.8), dbSNP rs766160359, ClinGen allele CA885602.